The following is an entry in ClinVar:

NM_001458.5(FLNC):c.5176C>T (p.Pro1726Ser)

Gene: FLNC (filamin C; plus strand). Cytogenetic location: 7q32.1.
Variant type: single nucleotide variant.
Coding change: c.5176C>T on transcript NM_001458.5 (MANE Select); coding-DNA position 5176, C replaced by T.
Protein change: p.Pro1726Ser; replaces proline 1726 with serine.
Molecular consequence: missense variant.
Genome position (GRCh38, 1-based): chr7:128,849,555, C>T. VCF-style: chr7-128849555-C-T. GRCh37 (hg19) VCF-style: chr7-128489609-C-T.
Other names: c.5176C>T, p.Pro1726Ser (NM_001127487.2); short protein forms P1726S.
Identifiers: ClinVar variation 1378695 (VCV001378695.12), dbSNP rs529240463, ClinGen allele CA4475575.

ClinVar aggregate classification (germline): Conflicting classifications of pathogenicity. Review status: criteria provided, conflicting classifications (1 of 4 stars). 3 submissions from 3 submitters: Uncertain significance (2); Likely benign (1). Last evaluated 2025-11-10.

Conditions:
Myofibrillar myopathy 5. Also called: Filaminopathy (type); FILAMINOPATHY, AUTOSOMAL DOMINANT. Identifiers: Orphanet 171445, MedGen C1836050, MONDO:0012289, OMIM 609524.
Distal myopathy with posterior leg and anterior hand involvement. Also called: WILLIAMS DISTAL MYOPATHY. Identifiers: Orphanet 63273, MedGen C3279722, MONDO:0013550, OMIM 614065.
Hypertrophic cardiomyopathy 26. Also called: Cardiomyopathy, familial hypertrophic, 26. Identifiers: Orphanet 75249, MedGen C4310749, MONDO:0014883, OMIM 617047.
Cardiovascular phenotype. Identifiers: MedGen CN230736.

Allele frequency attached by ClinVar (database versions not stated): gnomAD exomes below 0.00001 and 0.00001; TOPMed 0.00001; 1000 Genomes Project 0.00020; ExAC 0.00002; gnomAD 0.00001; 1000 Genomes Project 30x 0.00031.
gnomAD v4.1: 5 of 1,614,062 alleles (0.00031%); highest among the groups gnomAD compares: African/African-American, 0.004%; no homozygotes.

Submissions (3):

Ambry Genetics
Classification: Uncertain significance for Cardiovascular phenotype. Last evaluated: 2025-11-10. Review status: criteria provided, single submitter. Criteria: Ambry Variant Classification Scheme 2023. Collection method: clinical testing. Allele origin: germline.
Comment: The p.P1726S variant (also known as c.5176C>T), located in coding exon 30 of the FLNC gene, results from a C to T substitution at nucleotide position 5176. The proline at codon 1726 is replaced by serine, an amino acid with similar properties. This amino acid position is highly conserved in available vertebrate species. In addition, this alteration is predicted to be deleterious by in silico analysis. Since supporting evidence is limited at this time, the clinical significance of this alteration remains unclear.

Labcorp Genetics (formerly Invitae), Labcorp
Classification: Likely benign for Distal myopathy with posterior leg and anterior hand involvement; Myofibrillar myopathy 5; Hypertrophic cardiomyopathy 26. Last evaluated: 2025-11-06. Review status: criteria provided, single submitter. Criteria: Invitae Variant Classification Sherloc (09022015). Collection method: clinical testing. Allele origin: germline.

GeneDx
Classification: Uncertain significance. Last evaluated: 2025-09-23. Review status: criteria provided, single submitter. Criteria: GeneDx Variant Classification Process June 2021. Collection method: clinical testing. Allele origin: germline.
Comment: Not observed at significant frequency in large population cohorts (gnomAD); In silico analysis supports that this missense variant has a deleterious effect on protein structure/function; Has not been previously published as pathogenic or benign to our knowledge